The following is an entry in ClinVar:

ClinVar aggregate classification (germline): Likely benign (1 of 4 stars; one submission).

Allele frequency attached by ClinVar (database versions not stated): 1000 Genomes Project 30x 0.00016; 1000 Genomes Project 0.00020; ESP Exome Variant Server 0.00038; TOPMed 0.00053; gnomAD 0.00055.
gnomAD v4.1: 1,149 of 1,561,226 alleles (0.074%); highest among the groups gnomAD compares: Non-Finnish European, 0.087%; 3 homozygotes.

Submission:

CeGaT Center for Human Genetics Tuebingen
Classification: Likely benign. Last evaluated: 2023-04-01. Review status: criteria provided, single submitter. Criteria: CeGaT Center For Human Genetics Tuebingen Variant Classification Criteria Version 2. Collection method: clinical testing. Allele origin: germline. Affected: yes. Observed: 1 variant allele.
Comment: ZNF683: BP4, BP7

NM_001114759.3(ZNF683):c.690C>T (p.Thr230=)

Gene: ZNF683 (zinc finger protein 683; minus strand). Cytogenetic location: 1p36.11.
Variant type: single nucleotide variant.
Coding change: c.690C>T on transcript NM_001114759.3 (MANE Select); coding-DNA position 690, C replaced by T.
Protein change: p.Thr230=; no amino-acid change (threonine 230 retained).
Molecular consequence: synonymous variant.
Genome position (GRCh38, 1-based): chr1:26,364,856, G>A on the plus strand (C>T on the coding strand, the complement: ZNF683 is on the minus strand). VCF-style: chr1-26364856-G-A. GRCh37 (hg19) VCF-style: chr1-26691347-G-A.
Other names: c.690C>T, p.Thr230= (NM_001307925.1, NM_173574.3).
Identifiers: ClinVar variation 2638521 (VCV002638521.24), dbSNP rs142734084, ClinGen allele CA704811.